The following is an entry in ClinVar:

ClinVar aggregate classification (germline): Pathogenic (1 of 4 stars; one submission).

Conditions:
Autosomal recessive limb-girdle muscular dystrophy type 2A (LGMDR1). Also called: LEYDEN-MOEBIUS MUSCULAR DYSTROPHY; MUSCULAR DYSTROPHY, PELVOFEMORAL; Limb-girdle muscular dystrophy, type 2A; Calpainopathy; Muscular dystrophy, limb-girdle, type 2A, Amish. Identifiers: Orphanet 267, MedGen C1869123, MONDO:0009675, OMIM 253600. Disease mechanism: loss of function.

Submission:

Labcorp Genetics (formerly Invitae), Labcorp
Classification: Pathogenic for Autosomal recessive limb-girdle muscular dystrophy type 2A. Last evaluated: 2023-12-08. Review status: criteria provided, single submitter. Criteria: Invitae Variant Classification Sherloc (09022015). Collection method: clinical testing. Allele origin: germline.
Comment: This sequence change creates a premature translational stop signal (p.Thr273Profs*9) in the CAPN3 gene. It is expected to result in an absent or disrupted protein product. Loss-of-function variants in CAPN3 are known to be pathogenic (PMID: 10330340, 15689361). This variant is not present in population databases (gnomAD no frequency). This variant has not been reported in the literature in individuals affected with CAPN3-related conditions. For these reasons, this variant has been classified as Pathogenic.

Literature cited by the submitters: PubMed 10330340; PubMed 15689361.

NM_000070.3(CAPN3):c.817del (p.Thr273fs)

Gene: CAPN3 (calpain 3; plus strand). Cytogenetic location: 15q15.1.
Variant type: Deletion.
Coding change: c.817del on transcript NM_000070.3 (MANE Select); coding-DNA position 817, one base deleted (A; older notation c.817delA).
Protein change: p.Thr273fs; shifts the reading frame from threonine 273.
Molecular consequence: frameshift variant. On other transcripts: intron variant (1).
Genome position (GRCh38, 1-based): chr15:42,389,968, A deleted. VCF-style (leftmost placement, unchanged base first): chr15-42389967-GA-G. GRCh37 (hg19) VCF-style: chr15-42682165-GA-G.
Other names: c.817del, p.Thr273fs (NM_024344.2); c.556delA, p.Thr186Profs (NM_212464.2); c.*510delA (NM_212467.2); c.801+872del (NM_173087.2); short protein forms T273fs.
Identifiers: ClinVar variation 2772284 (VCV002772284.3), dbSNP rs2548262056, ClinGen allele CA2697554370.
Genomic context (GRCh38, chr15:42,389,967, plus strand): 5'-CTCTCCCTCCCCTGTGTTGTTCCCTACATTCTCCATCGGGCCTCAGGATGGCACGAACAT[GA>G]CCTATGGAACCTCTCCTTCTGGTCTGAACATGGGGGAGTTGATTGCACGGATGGTAAGGA-3'